The following is an entry in ClinVar:

NM_001291303.3(FAT4):c.5569+266T>C

Gene: FAT4 (FAT atypical cadherin 4; plus strand). Cytogenetic location: 4q28.1.
Variant type: single nucleotide variant.
Coding change: c.5569+266T>C on transcript NM_001291303.3 (MANE Select); 266 bases into the intron after coding-DNA position 5569, T replaced by C.
Molecular consequence: intron variant.
Genome position (GRCh38, 1-based): chr4:125,407,407, T>C. VCF-style: chr4-125407407-T-C. GRCh37 (hg19) VCF-style: chr4-126328562-T-C.
Other names: c.5569+266T>C (NM_001291285.3, NM_024582.6).
Identifiers: ClinVar variation 668137 (VCV000668137.1), dbSNP rs6833240, ClinGen allele CA104848607.

ClinVar aggregate classification (germline): Benign (1 of 4 stars; one submission).

Allele frequency attached by ClinVar (database versions not stated): 1000 Genomes Project 30x 0.98548; 1000 Genomes Project 0.98842; TOPMed 0.98904; gnomAD 0.99031 and 0.99074.
gnomAD v4.1: 150,686 of 152,092 alleles (99%); highest among the groups gnomAD compares: East Asian, 100%; 74,660 homozygotes.

Submission:

GeneDx
Classification: Benign. Last evaluated: 2018-06-19. Review status: criteria provided, single submitter. Criteria: GeneDx Variant Classification (06012015). Collection method: clinical testing. Allele origin: germline. Affected: yes.
Comment: This variant is considered likely benign or benign based on one or more of the following criteria: it is a conservative change, it occurs at a poorly conserved position in the protein, it is predicted to be benign by multiple in silico algorithms, and/or has population frequency not consistent with disease.